The following is an entry in ClinVar:

ClinVar aggregate classification (germline): Conflicting classifications of pathogenicity. Review status: criteria provided, conflicting classifications (1 of 4 stars). 3 submissions from 3 submitters: Uncertain significance (2); Likely benign (1). Last evaluated 2026-04-04.

Conditions:
RAI1-related disorder. Also called: RAI1-related condition.

Allele frequency attached by ClinVar (database versions not stated): gnomAD exomes below 0.00001 and 0.00001; ExAC 0.00001; TOPMed 0.00001; gnomAD 0.00002.
gnomAD v4.1: 8 of 1,612,882 alleles (0.0005%); highest among the groups gnomAD compares: Admixed American, 0.0067%; no homozygotes.

Submissions (3):

PreventionGenetics, part of Exact Sciences
Classification: Uncertain significance for RAI1-related condition. Last evaluated: 2026-04-04. Review status: criteria provided, single submitter. Criteria: ACMG Guidelines, 2015. Collection method: clinical testing. Allele origin: germline.
Comment: The RAI1 c.5224G>A variant is predicted to result in the amino acid substitution p.Gly1742Ser. To our knowledge, this variant has not been reported in the literature. This variant is reported in 0.0057% of alleles in individuals of Latino descent in gnomAD. At this time, the clinical significance of this variant is uncertain due to the absence of conclusive functional and genetic evidence.

CeGaT Center for Human Genetics Tuebingen
Classification: Likely benign. Last evaluated: 2026-04-01. Review status: criteria provided, single submitter. Criteria: CeGaT Center For Human Genetics Tuebingen Variant Classification Criteria Version 2. Collection method: clinical testing. Allele origin: germline. Affected: yes. Observed: 1 variant allele.
Comment: RAI1: BP4

Labcorp Genetics (formerly Invitae), Labcorp
Classification: Uncertain significance. Last evaluated: 2024-09-01. Review status: criteria provided, single submitter. Criteria: Invitae Variant Classification Sherloc (09022015). Collection method: clinical testing. Allele origin: germline.
Comment: This sequence change replaces glycine, which is neutral and non-polar, with serine, which is neutral and polar, at codon 1742 of the RAI1 protein (p.Gly1742Ser). This variant is present in population databases (rs747395327, gnomAD 0.006%). This variant has not been reported in the literature in individuals affected with RAI1-related conditions. ClinVar contains an entry for this variant (Variation ID: 1479186). Invitae Evidence Modeling of protein sequence and biophysical properties (such as structural, functional, and spatial information, amino acid conservation, physicochemical variation, residue mobility, and thermodynamic stability) indicates that this missense variant is not expected to disrupt RAI1 protein function with a negative predictive value of 80%. In summary, the available evidence is currently insufficient to determine the role of this variant in disease. Therefore, it has been classified as a Variant of Uncertain Significance.

NM_030665.4(RAI1):c.5224G>A (p.Gly1742Ser)

Gene: RAI1 (retinoic acid induced 1; plus strand). Cytogenetic location: 17p11.2.
Variant type: single nucleotide variant.
Coding change: c.5224G>A on transcript NM_030665.4 (MANE Select); coding-DNA position 5224, G replaced by A.
Protein change: p.Gly1742Ser; replaces glycine 1742 with serine.
Molecular consequence: missense variant.
Genome position (GRCh38, 1-based): chr17:17,798,172, G>A. VCF-style: chr17-17798172-G-A. GRCh37 (hg19) VCF-style: chr17-17701486-G-A.
Other names: c.5224G>A (NM_030665.3); short protein forms G1742S.
Identifiers: ClinVar variation 1479186 (VCV001479186.9), dbSNP rs747395327, ClinGen allele CA8419112.
Genomic context (GRCh38, chr17:17,798,172, plus strand): 5'-AAGGTGCGGCCAGAAGGCACCTGTGAGGAGGCCTCGCTGCCGCTTGAGAGAACACTCAAA[G>A]GTCCCGAGTGTGCAGCTGCCGCCACTGCCGGGAAGCCCCCCAGGCCTGACGGCCCAGCTG-3'
Protein context (NP_109590.3, residues 1732-1752): ASLPLERTLK[Gly1742Ser]PECAAAATAG